The following is an entry in ClinVar:

NM_001297595.2(SIN3B):c.3054C>T (p.Ser1018=)

Gene: SIN3B (SIN3 transcription regulator family member B; plus strand). Cytogenetic location: 19p13.11.
Variant type: single nucleotide variant.
Coding change: c.3054C>T on transcript NM_001297595.2 (MANE Select); coding-DNA position 3054, C replaced by T.
Protein change: p.Ser1018=; no amino-acid change (serine 1018 retained).
Molecular consequence: synonymous variant.
Genome position (GRCh38, 1-based): chr19:16,878,282, C>T. VCF-style: chr19-16878282-C-T. GRCh37 (hg19) VCF-style: chr19-16989093-C-T.
Other names: c.1824C>T, p.Ser608= (NM_001297597.2); c.3150C>T, p.Ser1050= (NM_015260.4).
Identifiers: ClinVar variation 4281065 (VCV004281065.7).

ClinVar aggregate classification (germline): Likely benign (1 of 4 stars; one submission).

gnomAD v4.1: 30 of 1,602,114 alleles (0.0019%); highest among the groups gnomAD compares: Admixed American, 0.0051%; no homozygotes.

Submission:

CeGaT Center for Human Genetics Tuebingen
Classification: Likely benign. Last evaluated: 2025-09-01. Review status: criteria provided, single submitter. Criteria: CeGaT Center For Human Genetics Tuebingen Variant Classification Criteria Version 2. Collection method: clinical testing. Allele origin: germline. Affected: yes. Observed: 1 variant allele.
Comment: SIN3B: BP4, BP7